The following is an entry in ClinVar:

ClinVar aggregate classification (germline): Uncertain significance (1 of 4 stars; one submission).

Allele frequency attached by ClinVar (database versions not stated): gnomAD exomes below 0.00001.
gnomAD v4.1: 1 of 1,613,262 alleles (0.000062%); highest among the groups gnomAD compares: South Asian, 0.0011%; no homozygotes.

Submission:

GeneDx
Classification: Uncertain significance. Last evaluated: 2022-01-04. Review status: criteria provided, single submitter. Criteria: GeneDx Variant Classification Process June 2021. Collection method: clinical testing. Allele origin: germline. Affected: yes.
Comment: Not observed at significant frequency in large population cohorts (gnomAD); In silico analysis supports that this missense variant has a deleterious effect on protein structure/function; Has not been previously published as pathogenic or benign to our knowledge

NM_006767.4(LZTR1):c.2024G>T (p.Gly675Val)

Gene: LZTR1 (leucine zipper like post translational regulator 1; plus strand). Cytogenetic location: 22q11.21.
Variant type: single nucleotide variant.
Coding change: c.2024G>T on transcript NM_006767.4 (MANE Select); coding-DNA position 2024, G replaced by T.
Protein change: p.Gly675Val; replaces glycine 675 with valine.
Molecular consequence: missense variant.
Genome position (GRCh38, 1-based): chr22:20,995,827, G>T. VCF-style: chr22-20995827-G-T. GRCh37 (hg19) VCF-style: chr22-21350116-G-T.
Other names: short protein forms G675V.
Identifiers: ClinVar variation 1693360 (VCV001693360.2), dbSNP rs1924818930, ClinGen allele CA410779086.